The following is an entry in ClinVar:

NM_021008.4(DEAF1):c.1132G>T (p.Glu378Ter)

Gene: DEAF1 (DEAF1 transcription factor; minus strand). Cytogenetic location: 11p15.5.
Variant type: single nucleotide variant.
Coding change: c.1132G>T on transcript NM_021008.4 (MANE Select); coding-DNA position 1132, G replaced by T.
Protein change: p.Glu378Ter; replaces glutamic acid 378 with a stop codon.
Molecular consequence: nonsense.
Genome position (GRCh38, 1-based): chr11:678,817, C>A on the plus strand (G>T on the coding strand, the complement: DEAF1 is on the minus strand). VCF-style: chr11-678817-C-A. GRCh37 (hg19) VCF-style: chr11-678817-C-A.
Other names: c.865G>T, p.Glu289Ter (NM_001293634.2); c.406G>T, p.Glu136Ter (NM_001367390.1); short protein forms E136*, E289*, E378*.
Identifiers: ClinVar variation 2026917 (VCV002026917.4), dbSNP rs2494403195, ClinGen allele CA378925716.
Genomic context (GRCh38, chr11:678,817, plus strand): 5'-GATAGCCGGGGTAGTGAGGCTCAGGGTGGCTGGCCCTGCATGGGGGCTGCACGCTGGCCT[C>A]TTGGACTGTTGGGGAGAAAAAGGACAGGGAGGCTCGGGATGGTTGTCCGCACAGCAGACT-3'

ClinVar aggregate classification (germline): Pathogenic (1 of 4 stars; one submission).

Submission:

Labcorp Genetics (formerly Invitae), Labcorp
Classification: Pathogenic. Last evaluated: 2022-12-09. Review status: criteria provided, single submitter. Criteria: Invitae Variant Classification Sherloc (09022015). Collection method: clinical testing. Allele origin: germline.
Comment: This sequence change creates a premature translational stop signal (p.Glu378*) in the DEAF1 gene. It is expected to result in an absent or disrupted protein product. Loss-of-function variants in DEAF1 are known to be pathogenic (PMID: 30923367). This variant is not present in population databases (gnomAD no frequency). This variant has not been reported in the literature in individuals affected with DEAF1-related conditions. For these reasons, this variant has been classified as Pathogenic.

Literature cited by the submitters: PubMed 30923367.